The following is an entry in ClinVar:

NM_005777.3(RBM6):c.1746C>T (p.Ser582=)

Gene: RBM6 (RNA binding motif protein 6; plus strand). Cytogenetic location: 3p21.31.
Variant type: single nucleotide variant.
Coding change: c.1746C>T on transcript NM_005777.3 (MANE Select); coding-DNA position 1746, C replaced by T.
Protein change: p.Ser582=; no amino-acid change (serine 582 retained).
Molecular consequence: synonymous variant. On other transcripts: non-coding transcript variant (1).
Genome position (GRCh38, 1-based): chr3:50,057,780, C>T. VCF-style: chr3-50057780-C-T. GRCh37 (hg19) VCF-style: chr3-50095213-C-T.
Other names: c.180C>T, p.Ser60= (NM_001167582.2, NM_001349190.2, NM_001349191.2 and 2 more transcripts); c.204C>T, p.Ser68= (NM_001349194.2).
Identifiers: ClinVar variation 2653850 (VCV002653850.24), dbSNP rs147018443, ClinGen allele CA2410429.

ClinVar aggregate classification (germline): Likely benign (1 of 4 stars; one submission).

Allele frequency attached by ClinVar (database versions not stated): ExAC 0.00114; gnomAD 0.00118; 1000 Genomes Project 0.00120; 1000 Genomes Project 30x 0.00156; TOPMed 0.00167; ESP Exome Variant Server 0.00169.
gnomAD v4.1: 1,283 of 1,613,422 alleles (0.08%); highest among the groups gnomAD compares: Middle Eastern, 0.33%; 6 homozygotes.

Submission:

CeGaT Center for Human Genetics Tuebingen
Classification: Likely benign. Last evaluated: 2023-03-01. Review status: criteria provided, single submitter. Criteria: CeGaT Center For Human Genetics Tuebingen Variant Classification Criteria Version 2. Collection method: clinical testing. Allele origin: germline. Affected: yes. Observed: 1 variant allele.
Comment: RBM6: BP4, BP7